The following is an entry in ClinVar:

NM_001267550.2(TTN):c.107658A>C (p.Lys35886Asn)

Genes: TTN-AS1 (TTN antisense RNA 1; plus strand), TTN (titin; minus strand). Cytogenetic location: 2q31.2.
Variant type: single nucleotide variant.
Coding change: c.107658A>C on transcript NM_001267550.2 (MANE Select); coding-DNA position 107658, A replaced by C.
Protein change: p.Lys35886Asn; replaces lysine 35886 with asparagine.
Molecular consequence: missense variant.
Genome position (GRCh38, 1-based): chr2:178,527,468, T>G on the plus strand (A>C on the coding strand, the complement: TTN is on the minus strand). VCF-style: chr2-178527468-T-G. GRCh37 (hg19) VCF-style: chr2-179392195-T-G.
Other names: c.102735A>C, p.Lys34245Asn (NM_001256850.1); c.80463A>C, p.Lys26821Asn (NM_003319.4); c.99954A>C, p.Lys33318Asn (NM_133378.4); c.80838A>C, p.Lys26946Asn (NM_133432.3); c.81039A>C, p.Lys27013Asn (NM_133437.4); short protein forms K26821N, K26946N, K27013N, K33318N, K34245N, K35886N.
Identifiers: ClinVar variation 3760840 (VCV003760840.2).
Genomic context (GRCh38, chr2:178,527,468, plus strand): 5'-TTGGCTTGTCTACCTCTACCAGTAATTTTATTGCTCACCTCTTATGCCTGCTTTAAGCAT[T>G]TTACTAGTTGAGCTTTCCAGTTGTGTCATATTAGATATTCCCATAAAGCTGCTGGAACTC-3'
Protein context (NP_001254479.2, residues 35876-35896): NMTQLESSTS[Lys35886Asn]MLKAGIRGIP

ClinVar aggregate classification (germline): Uncertain significance (1 of 4 stars; one submission).

Conditions:
Autosomal recessive limb-girdle muscular dystrophy type 2J (LGMDR10). Also called: Limb-girdle muscular dystrophy, type 2J; MUSCULAR DYSTROPHY, LIMB-GIRDLE, AUTOSOMAL RECESSIVE 10. Identifiers: Orphanet 140922, MedGen C1837342, MONDO:0012127, OMIM 608807.
Dilated cardiomyopathy 1G (CMD1G). Identifiers: Orphanet 154, MedGen C1858763, MONDO:0011400, OMIM 604145.

Submission:

Labcorp Genetics (formerly Invitae), Labcorp
Classification: Uncertain significance for Dilated cardiomyopathy 1G; Autosomal recessive limb-girdle muscular dystrophy type 2J. Last evaluated: 2025-10-01. Review status: criteria provided, single submitter. Criteria: Invitae Variant Classification Sherloc (09022015). Collection method: clinical testing. Allele origin: germline.
Comment: This sequence change replaces lysine, which is basic and polar, with asparagine, which is neutral and polar, at codon 35886 of the TTN protein (p.Lys35886Asn). This variant is not present in population databases (gnomAD no frequency). This variant has not been reported in the literature in individuals affected with TTN-related conditions. ClinVar contains an entry for this variant (Variation ID: 3760840). Experimental studies and prediction algorithms are not available or were not evaluated, and the functional significance of this variant is currently unknown. This variant is located in the M band of TTN (PMID: 25589632). Non-truncating variants in this region may be relevant for neuromuscular disorders, but have not been definitively shown to cause cardiomyopathy (PMID: 23975875). In summary, the available evidence is currently insufficient to determine the role of this variant in disease. Therefore, it has been classified as a Variant of Uncertain Significance.

Literature cited by the submitters: PubMed 25589632; PubMed 23975875.